The following is an entry in ClinVar:

NM_001130987.2(DYSF):c.3322CGC[1] (p.Arg1109_Arg1111del)

Gene: DYSF (dysferlin; plus strand). Cytogenetic location: 2p13.2.
Variant type: Microsatellite.
Coding change: c.3322CGC[1] on transcript NM_001130987.2 (MANE Select); one copy of the 3-base unit CGC starting at c.3322; the reference has four copies in a row; three copies, 9 bases deleted; also written c.3325_3333del.
Protein change: p.Arg1109_Arg1111del.
Molecular consequence: inframe deletion.
Genome position (GRCh38, 1-based): chr2:71,574,294-71,574,302, CGCCGCCGC deleted; deleting any 9 consecutive bases within chr2:71,574,290-71,574,302 gives the same sequence; the position shown is the placement nearest the transcript's 3' end. VCF-style (leftmost placement, unchanged base first): chr2-71574289-TCCGCCGCCG-T. GRCh37 (hg19) VCF-style: chr2-71801419-TCCGCCGCCG-T.
Other names: c.3271CGC[1], p.Arg1092_Arg1094del (NM_001130455.2, NM_001130983.2); c.3226CGC[1], p.Arg1077_Arg1079del (NM_001130976.2, NM_001130977.2); c.3268CGC[1], p.Arg1091_Arg1093del (NM_001130978.2, NM_003494.4); c.3361CGC[1], p.Arg1122_Arg1124del (NM_001130979.2); c.3319CGC[1], p.Arg1108_Arg1110del (NM_001130980.2, NM_001130981.2); c.3364CGC[1], p.Arg1123_Arg1125del (NM_001130982.2); c.3229CGC[1], p.Arg1078_Arg1080del (NM_001130984.2, NM_001130986.2); c.3322CGC[1], p.Arg1109_Arg1111del (NM_001130985.2); and 1 more.
Identifiers: ClinVar variation 2627977 (VCV002627977.1), dbSNP rs779680055, ClinGen allele CA2586963976.

ClinVar aggregate classification (germline): Uncertain significance (1 of 4 stars; one submission).

Conditions:
Autosomal recessive limb-girdle muscular dystrophy type 2B (LGMDR2). Also called: MUSCULAR DYSTROPHY, LIMB-GIRDLE, TYPE 3; Limb-girdle muscular dystrophy, type 2B; MUSCULAR DYSTROPHY, LIMB-GIRDLE, AUTOSOMAL RECESSIVE 2; Limb-Girdle Muscular Dystrophy Type 2B (LGMD2B). Identifiers: Orphanet 268, MedGen C1850889, MONDO:0009676, OMIM 253601.

Submission:

Neuberg Centre For Genomic Medicine, NCGM
Classification: Uncertain significance for Autosomal recessive limb-girdle muscular dystrophy type 2B. Review status: criteria provided, single submitter. Criteria: ACMG Guidelines, 2015. Collection method: clinical testing. Allele origin: germline. Inheritance: Autosomal recessive inheritance. Affected: yes.
Comment: The inframe variant in c.3325_3333del in DYSF gene has not been reported previously as a pathogenic variant nor as a benign variant, to our knowledge. The p.Arg1109_Arg1111del variant is novel (not in any individuals) in gnomAD Exomes and 1000 Genomes. This variant has not been reported to the ClinVar database. This p.Arg1109_Arg1111del causes deletion of amino acid Arginine at position 1109 to Arginine at position 1111. For these reasons, this variant has been classified as Uncertain Significance (VUS).